The following is an entry in ClinVar:

NM_005337.5(NCKAP1L):c.2207G>A (p.Arg736Gln)

Gene: NCKAP1L (NCK associated protein 1 like; plus strand). Cytogenetic location: 12q13.2.
Variant type: single nucleotide variant.
Coding change: c.2207G>A on transcript NM_005337.5 (MANE Select); coding-DNA position 2207, G replaced by A.
Protein change: p.Arg736Gln; replaces arginine 736 with glutamine.
Molecular consequence: missense variant.
Genome position (GRCh38, 1-based): chr12:54,526,578, G>A. VCF-style: chr12-54526578-G-A. GRCh37 (hg19) VCF-style: chr12-54920362-G-A.
Other names: c.2207G>A (NM_005337.4); c.2057G>A, p.Arg686Gln (NM_001184976.2); short protein forms R686Q, R736Q.
Identifiers: ClinVar variation 2059466 (VCV002059466.3), dbSNP rs758716992, ClinGen allele CA6609371.

ClinVar aggregate classification (germline): Uncertain significance. Review status: criteria provided, multiple submitters, no conflicts (2 of 4 stars). 3 submissions from 3 submitters: Uncertain significance (3). Last evaluated 2025-02-15.

Conditions:
NCKAP1L-related disorder. Also called: NCKAP1L-related condition.

Allele frequency attached by ClinVar (database versions not stated): ExAC 0.00003; gnomAD 0.00009; TOPMed 0.00010.
gnomAD v4.1: 31 of 1,613,808 alleles (0.0019%); highest among the groups gnomAD compares: African/African-American, 0.029%; no homozygotes.

Submissions (3):

PreventionGenetics, part of Exact Sciences
Classification: Uncertain significance for NCKAP1L-related condition. Last evaluated: 2025-02-15. Review status: criteria provided, single submitter. Criteria: ACMG Guidelines, 2015. Collection method: clinical testing. Allele origin: germline.
Comment: The NCKAP1L c.2207G>A variant is predicted to result in the amino acid substitution p.Arg736Gln. To our knowledge, this variant has not been reported in the literature. This variant is reported in 0.028% of alleles in individuals of African descent in gnomAD. At this time, the clinical significance of this variant is uncertain due to the absence of conclusive functional and genetic evidence.

Ambry Genetics
Classification: Uncertain significance. Last evaluated: 2024-11-15. Review status: criteria provided, single submitter. Criteria: Ambry Variant Classification Scheme 2023. Collection method: clinical testing. Allele origin: germline.

Labcorp Genetics (formerly Invitae), Labcorp
Classification: Uncertain significance. Last evaluated: 2022-08-20. Review status: criteria provided, single submitter. Criteria: Invitae Variant Classification Sherloc (09022015). Collection method: clinical testing. Allele origin: germline.
Comment: This sequence change replaces arginine, which is basic and polar, with glutamine, which is neutral and polar, at codon 736 of the NCKAP1L protein (p.Arg736Gln). This variant is present in population databases (rs758716992, gnomAD 0.03%). This variant has not been reported in the literature in individuals affected with NCKAP1L-related conditions. Algorithms developed to predict the effect of missense changes on protein structure and function are either unavailable or do not agree on the potential impact of this missense change (SIFT: "Deleterious"; PolyPhen-2: "Possibly Damaging"; Align-GVGD: "Class C0"). In summary, the available evidence is currently insufficient to determine the role of this variant in disease. Therefore, it has been classified as a Variant of Uncertain Significance.